The following is an entry in ClinVar:

NM_001170629.2(CHD8):c.7657G>A (p.Gly2553Ser)

Gene: CHD8 (chromodomain helicase DNA binding protein 8; minus strand). Cytogenetic location: 14q11.2.
Variant type: single nucleotide variant.
Coding change: c.7657G>A on transcript NM_001170629.2 (MANE Select); coding-DNA position 7657, G replaced by A.
Protein change: p.Gly2553Ser; replaces glycine 2553 with serine.
Molecular consequence: missense variant.
Genome position (GRCh38, 1-based): chr14:21,385,702, C>T on the plus strand (G>A on the coding strand, the complement: CHD8 is on the minus strand). VCF-style: chr14-21385702-C-T. GRCh37 (hg19) VCF-style: chr14-21853861-C-T.
Other names: c.6820G>A, p.Gly2274Ser (NM_020920.4); short protein forms G2274S, G2553S.
Identifiers: ClinVar variation 4883027 (VCV004883027.2).
Genomic context (GRCh38, chr14:21,385,702, plus strand): 5'-AGTTAGCTGGCATCATAGGATCATCAATGAGTGAGAAGTCCCTTTCTGAGCTATCATAGC[C>T]CTGAGATAAGTCATCATCATCTTCTTCATCCTCATCGTCATCCTCCTCAGGTTGCAGTGG-3'
Protein context (NP_001164100.1, residues 2543-2563): DEEDDDDLSQ[Gly2553Ser]YDSSERDFSL

ClinVar aggregate classification (germline): Uncertain significance (1 of 4 stars; one submission).

Submission:

Dasa
Classification: Uncertain significance. Last evaluated: 2026-03-31. Review status: criteria provided, single submitter. Criteria: DASA Assertion Criteria. Collection method: clinical testing. Allele origin: germline.
Comment: NM_001170629.2(CHD8):c.7657G>A (p.Gly2553Ser) is a missense variant that results in the substitution of glycine with serine. This variant is absent from population databases. The currently available literature and clinical evidence are not sufficient to establish a definitive association between this variant and the reported condition. Therefore, this variant is classified as a variant of uncertain significance.